The following is an entry in ClinVar:

ClinVar aggregate classification (germline): Uncertain significance (1 of 4 stars; one submission).

Allele frequency attached by ClinVar (database versions not stated): gnomAD 0.00001; TOPMed 0.00001.
gnomAD v4.1: 11 of 1,551,386 alleles (0.00071%); highest among the groups gnomAD compares: Non-Finnish European, 0.000087%; no homozygotes.

Submission:

Labcorp Genetics (formerly Invitae), Labcorp
Classification: Uncertain significance. Last evaluated: 2023-08-17. Review status: criteria provided, single submitter. Criteria: Invitae Variant Classification Sherloc (09022015). Collection method: clinical testing. Allele origin: germline.
Comment: This variant has not been reported in the literature in individuals affected with TANC2-related conditions. In summary, the available evidence is currently insufficient to determine the role of this variant in disease. Therefore, it has been classified as a Variant of Uncertain Significance. An algorithm developed to predict the effect of missense changes on protein structure and function (PolyPhen-2) suggests that this variant is likely to be tolerated. This variant is present in population databases (no rsID available, gnomAD 0.01%). This sequence change replaces proline, which is neutral and non-polar, with threonine, which is neutral and polar, at codon 1381 of the TANC2 protein (p.Pro1381Thr).

NM_001394998.1(TANC2):c.4393C>A (p.Pro1465Thr)

Gene: TANC2 (tetratricopeptide repeat, ankyrin repeat and coiled-coil containing 2; plus strand). Cytogenetic location: 17q23.3.
Variant type: single nucleotide variant.
Coding change: c.4393C>A on transcript NM_001394998.1 (MANE Select); coding-DNA position 4393, C replaced by A.
Protein change: p.Pro1465Thr; replaces proline 1465 with threonine.
Molecular consequence: missense variant.
Genome position (GRCh38, 1-based): chr17:63,420,123, C>A. VCF-style: chr17-63420123-C-A. GRCh37 (hg19) VCF-style: chr17-61497484-C-A.
Other names: c.4171C>A, p.Pro1391Thr (NM_001411076.1); c.4141C>A, p.Pro1381Thr (NM_025185.4); short protein forms P1391T, P1381T, P1465T.
Identifiers: ClinVar variation 2752185 (VCV002752185.3), dbSNP rs1309026358, ClinGen allele CA400541206.